The following is an entry in ClinVar:

ClinVar aggregate classification (germline): Uncertain significance (1 of 4 stars; one submission).

Conditions:
Nemaline myopathy 2 (NEM2). Also called: Nemaline myopathy 2, autosomal recessive. Identifiers: MedGen C1850569, MONDO:0009725, OMIM 256030.

Allele frequency attached by ClinVar (database versions not stated): gnomAD 0.00001.

Submission:

Labcorp Genetics (formerly Invitae), Labcorp
Classification: Uncertain significance for Nemaline myopathy 2. Last evaluated: 2021-07-02. Review status: criteria provided, single submitter. Criteria: Invitae Variant Classification Sherloc (09022015). Collection method: clinical testing. Allele origin: germline.
Comment: This sequence change replaces threonine with alanine at codon 29 of the NEB protein (p.Thr29Ala). The threonine residue is moderately conserved and there is a small physicochemical difference between threonine and alanine. This variant is not present in population databases (ExAC no frequency). This variant has not been reported in the literature in individuals affected with NEB-related conditions. Algorithms developed to predict the effect of missense changes on protein structure and function are either unavailable or do not agree on the potential impact of this missense change (SIFT: "Deleterious"; PolyPhen-2: "Not Available"; Align-GVGD: "Class C0"). In summary, the available evidence is currently insufficient to determine the role of this variant in disease. Therefore, it has been classified as a Variant of Uncertain Significance.

NM_001164508.2(NEB):c.85A>G (p.Thr29Ala)

Gene: NEB (nebulin; minus strand). Cytogenetic location: 2q23.3.
Variant type: single nucleotide variant.
Coding change: c.85A>G on transcript NM_001164508.2 (MANE Select); coding-DNA position 85, A replaced by G.
Protein change: p.Thr29Ala; replaces threonine 29 with alanine.
Molecular consequence: missense variant.
Genome position (GRCh38, 1-based): chr2:151,727,900, T>C on the plus strand (A>G on the coding strand, the complement: NEB is on the minus strand). VCF-style: chr2-151727900-T-C. GRCh37 (hg19) VCF-style: chr2-152584414-T-C.
Other names: c.85A>G, p.Thr29Ala (NM_001164507.2, NM_001271208.2, NM_004543.5); short protein forms T29A.
Identifiers: ClinVar variation 1941202 (VCV001941202.2), dbSNP rs1244801231, ClinGen allele CA348795951.